The following is an entry in ClinVar:

NM_080680.3(COL11A2):c.2817G>T (p.Met939Ile)

Gene: COL11A2 (collagen type XI alpha 2 chain; minus strand). Cytogenetic location: 6p21.32.
Variant type: single nucleotide variant.
Coding change: c.2817G>T on transcript NM_080680.3 (MANE Select); coding-DNA position 2817, G replaced by T.
Protein change: p.Met939Ile; replaces methionine 939 with isoleucine.
Molecular consequence: missense variant.
Genome position (GRCh38, 1-based): chr6:33,172,611, C>A on the plus strand (G>T on the coding strand, the complement: COL11A2 is on the minus strand). VCF-style: chr6-33172611-C-A. GRCh37 (hg19) VCF-style: chr6-33140388-C-A.
Other names: c.2496G>T, p.Met832Ile (NM_080679.3); c.2559G>T, p.Met853Ile (NM_080681.3); short protein forms M832I, M853I, M939I.
Identifiers: ClinVar variation 1720721 (VCV001720721.6), dbSNP rs536659371, ClinGen allele CA3750717.

ClinVar aggregate classification (germline): Uncertain significance (1 of 4 stars; one submission).

gnomAD v4.1: 3 of 1,612,716 alleles (0.00019%); highest among the groups gnomAD compares: East Asian, 0.0022%; no homozygotes.

Submission:

Labcorp Genetics (formerly Invitae), Labcorp
Classification: Uncertain significance. Last evaluated: 2022-09-30. Review status: criteria provided, single submitter. Criteria: Invitae Variant Classification Sherloc (09022015). Collection method: clinical testing. Allele origin: germline.
Comment: This variant has not been reported in the literature in individuals affected with COL11A2-related conditions. This variant is present in population databases (rs536659371, gnomAD 0.003%). This sequence change replaces methionine, which is neutral and non-polar, with isoleucine, which is neutral and non-polar, at codon 939 of the COL11A2 protein (p.Met939Ile). Advanced modeling of protein sequence and biophysical properties (such as structural, functional, and spatial information, amino acid conservation, physicochemical variation, residue mobility, and thermodynamic stability) performed at Invitae indicates that this missense variant is not expected to disrupt COL11A2 protein function. In summary, the available evidence is currently insufficient to determine the role of this variant in disease. Therefore, it has been classified as a Variant of Uncertain Significance.